The following is an entry in ClinVar:

NM_001358921.2(COQ2):c.74G>A (p.Arg25Gln)

Genes: COQ2 (coenzyme Q2, polyprenyltransferase; minus strand), LOC112997540 (Sharpr-MPRA regulatory region 13773; plus strand). Cytogenetic location: 4q21.23.
Variant type: single nucleotide variant.
Coding change: c.74G>A on transcript NM_001358921.2 (MANE Select); coding-DNA position 74, G replaced by A.
Protein change: p.Arg25Gln; replaces arginine 25 with glutamine.
Molecular consequence: missense variant.
Genome position (GRCh38, 1-based): chr4:83,284,691, C>T on the plus strand (G>A on the coding strand, the complement: COQ2 is on the minus strand). VCF-style: chr4-83284691-C-T. GRCh37 (hg19) VCF-style: chr4-84205844-C-T.
Other names: c.224G>A, p.Arg75Gln (NM_015697.9); c.224G>A (NM_015697.7); short protein forms R25Q, R75Q.
Identifiers: ClinVar variation 1947196 (VCV001947196.6), dbSNP rs1221771114, ClinGen allele CA357231124.

ClinVar aggregate classification (germline): Uncertain significance. Review status: criteria provided, multiple submitters, no conflicts (2 of 4 stars). 2 submissions from 2 submitters: Uncertain significance (2). Last evaluated 2025-09-10.

Conditions:
Inborn genetic diseases. Identifiers: MedGen C0950123, MeSH D030342.

Allele frequency attached by ClinVar (database versions not stated): gnomAD exomes 0.00001; gnomAD 0.00004; 1000 Genomes Project 30x 0.00016.
gnomAD v4.1: 14 of 1,477,460 alleles (0.00095%); highest among the groups gnomAD compares: African/African-American, 0.021%; no homozygotes.

Submissions (2):

Ambry Genetics
Classification: Uncertain significance for Inborn genetic diseases. Last evaluated: 2025-09-10. Review status: criteria provided, single submitter. Criteria: Ambry Variant Classification Scheme 2023. Collection method: clinical testing. Allele origin: germline.

Labcorp Genetics (formerly Invitae), Labcorp
Classification: Uncertain significance. Last evaluated: 2022-05-19. Review status: criteria provided, single submitter. Criteria: Invitae Variant Classification Sherloc (09022015). Collection method: clinical testing. Allele origin: germline.
Comment: This sequence change replaces arginine, which is basic and polar, with glutamine, which is neutral and polar, at codon 75 of the COQ2 protein (p.Arg75Gln). This variant is present in population databases (no rsID available, gnomAD 0.02%). This variant has not been reported in the literature in individuals affected with COQ2-related conditions. Algorithms developed to predict the effect of missense changes on protein structure and function (SIFT, PolyPhen-2, Align-GVGD) all suggest that this variant is likely to be tolerated. In summary, the available evidence is currently insufficient to determine the role of this variant in disease. Therefore, it has been classified as a Variant of Uncertain Significance.